The following is an entry in ClinVar:

ClinVar aggregate classification (germline): Uncertain significance (1 of 4 stars; one submission).

Conditions:
Cardiovascular phenotype. Identifiers: MedGen CN230736.

gnomAD v4.1: 6 of 1,596,744 alleles (0.00038%); highest among the groups gnomAD compares: Non-Finnish European, 0.00051%; no homozygotes.

Submission:

Ambry Genetics
Classification: Uncertain significance for Cardiovascular phenotype. Last evaluated: 2025-04-13. Review status: criteria provided, single submitter. Criteria: Ambry Variant Classification Scheme 2023. Collection method: clinical testing. Allele origin: germline.
Comment: The p.R1749C variant (also known as c.5245C>T), located in coding exon 13 of the TNXB gene, results from a C to T substitution at nucleotide position 5245. The arginine at codon 1749 is replaced by cysteine, an amino acid with highly dissimilar properties. This amino acid position is conserved. In addition, this alteration is predicted to be tolerated by in silico analysis. Based on the available evidence, the clinical significance of this variant remains unclear.

NM_001365276.2(TNXB):c.5245C>T (p.Arg1749Cys)

Gene: TNXB (tenascin XB; minus strand). Cytogenetic location: 6p21.33.
Variant type: single nucleotide variant.
Coding change: c.5245C>T on transcript NM_001365276.2 (MANE Select); coding-DNA position 5245, C replaced by T.
Protein change: p.Arg1749Cys; replaces arginine 1749 with cysteine.
Molecular consequence: missense variant.
Genome position (GRCh38, 1-based): chr6:32,070,160, G>A on the plus strand (C>T on the coding strand, the complement: TNXB is on the minus strand). VCF-style: chr6-32070160-G-A. GRCh37 (hg19) VCF-style: chr6-32037937-G-A.
Other names: c.5986C>T, p.Arg1996Cys (NM_001428335.1); c.5245C>T, p.Arg1749Cys (NM_019105.8); short protein forms R1996C, R1749C.
Identifiers: ClinVar variation 3971996 (VCV003971996.1).